The following is an entry in ClinVar:

NM_000161.3(GCH1):c.592C>T (p.Arg198Trp)

Gene: GCH1 (GTP cyclohydrolase 1; minus strand). Cytogenetic location: 14q22.2.
Variant type: single nucleotide variant.
Coding change: c.592C>T on transcript NM_000161.3 (MANE Select); coding-DNA position 592, C replaced by T.
Protein change: p.Arg198Trp; replaces arginine 198 with tryptophan.
Molecular consequence: missense variant.
Genome position (GRCh38, 1-based): chr14:54,845,802, G>A on the plus strand (C>T on the coding strand, the complement: GCH1 is on the minus strand). VCF-style: chr14-54845802-G-A. GRCh37 (hg19) VCF-style: chr14-55312520-G-A.
Other names: c.592C>T, p.Arg198Trp (NM_001024024.2, NM_001024070.2, NM_001024071.2); short protein forms R198W.
Identifiers: ClinVar variation 1303137 (VCV001303137.4), dbSNP rs752447862, ClinGen allele CA260544134.

ClinVar aggregate classification (germline): Uncertain significance. Review status: criteria provided, multiple submitters, no conflicts (2 of 4 stars). 2 submissions from 2 submitters: Uncertain significance (2). Last evaluated 2025-09-08.

Conditions:
GTP cyclohydrolase I deficiency. Identifiers: MedGen C0268467, MONDO:0100184.
Dystonia 5 (DRD). Also called: DYSTONIA, PROGRESSIVE, WITH DIURNAL VARIATION; DYSTONIA-PARKINSONISM WITH DIURNAL FLUCTUATION; DYT-GCH1; GTP Cyclohydrolase 1-Deficient Dopa-Responsive Dystonia; Dystonia, DOPA-responsive, with or without hyperphenylalaninemia. Identifiers: Orphanet 98808, MedGen C1851920, MONDO:0007495, OMIM 128230.

gnomAD v4.1: 9 of 1,609,556 alleles (0.00056%); highest among the groups gnomAD compares: South Asian, 0.0011%; no homozygotes.

Submissions (2):

Labcorp Genetics (formerly Invitae), Labcorp
Classification: Uncertain significance for GTP cyclohydrolase I deficiency; Dystonia 5. Last evaluated: 2025-09-08. Review status: criteria provided, single submitter. Criteria: Invitae Variant Classification Sherloc (09022015). Collection method: clinical testing. Allele origin: germline.
Comment: This sequence change replaces arginine, which is basic and polar, with tryptophan, which is neutral and slightly polar, at codon 198 of the GCH1 protein (p.Arg198Trp). This variant is not present in population databases (gnomAD no frequency). This missense change has been observed in individual(s) with dopa responsive dystonia (PMID: 18587264, 31213404). ClinVar contains an entry for this variant (Variation ID: 1303137). Invitae Evidence Modeling of protein sequence and biophysical properties (such as structural, functional, and spatial information, amino acid conservation, physicochemical variation, residue mobility, and thermodynamic stability) indicates that this missense variant is not expected to disrupt GCH1 protein function with a negative predictive value of 80%. Algorithms developed to predict the effect of sequence changes on RNA splicing suggest that this variant may disrupt the consensus splice site. In summary, the available evidence is currently insufficient to determine the role of this variant in disease. Therefore, it has been classified as a Variant of Uncertain Significance.

GeneDx
Classification: Uncertain significance. Last evaluated: 2019-04-25. Review status: criteria provided, single submitter. Criteria: GeneDx Variant Classification Process June 2021. Collection method: clinical testing. Allele origin: germline. Affected: yes.
Comment: Observed with a variant on the opposite allele (in trans) in published literature (Kim et al., 2008); however, the reported individual was not screened for variants in all other genes associated with dopa-responsive dystonia and additional studies are needed to validate the functional effect of this variant in vivo; In silico analysis, which includes protein predictors and evolutionary conservation, supports a deleterious effect; Not observed in large population cohorts (Lek et al., 2016); This variant is associated with the following publications: (PMID: 18587264)

Literature cited by the submitters: PubMed 18587264 (cited by Labcorp Genetics (formerly Invitae), Labcorp); PubMed 31213404 (cited by Labcorp Genetics (formerly Invitae), Labcorp).